The following is an entry in ClinVar:

NM_001170629.2(CHD8):c.3646A>G (p.Ile1216Val)

Gene: CHD8 (chromodomain helicase DNA binding protein 8; minus strand). Cytogenetic location: 14q11.2.
Variant type: single nucleotide variant.
Coding change: c.3646A>G on transcript NM_001170629.2 (MANE Select); coding-DNA position 3646, A replaced by G.
Protein change: p.Ile1216Val; replaces isoleucine 1216 with valine.
Molecular consequence: missense variant.
Genome position (GRCh38, 1-based): chr14:21,403,085, T>C on the plus strand (A>G on the coding strand, the complement: CHD8 is on the minus strand). VCF-style: chr14-21403085-T-C. GRCh37 (hg19) VCF-style: chr14-21871244-T-C.
Other names: c.2809A>G, p.Ile937Val (NM_020920.4); short protein forms I937V, I1216V.
Identifiers: ClinVar variation 2117189 (VCV002117189.4), dbSNP rs2501900713, ClinGen allele CA388899801.
Genomic context (GRCh38, chr14:21,403,085, plus strand): 5'-CATTTTGTGGATTCCAGTCTGAATCAAAGATGATGCAGGTATCAGCAGCTGTAAGATTAA[T>C]ACCAAGTCCACCAGCCCGGGTACACAGTAAGAAGACAAAGCGGTCTGAGTCAGGCTTGCT-3'
Protein context (NP_001164100.1, residues 1206-1226): LLCTRAGGLG[Ile1216Val]NLTAADTCII

ClinVar aggregate classification (germline): Uncertain significance (1 of 4 stars; one submission).

Submission:

Labcorp Genetics (formerly Invitae), Labcorp
Classification: Uncertain significance. Last evaluated: 2022-03-26. Review status: criteria provided, single submitter. Criteria: Invitae Variant Classification Sherloc (09022015). Collection method: clinical testing. Allele origin: germline.
Comment: This variant has not been reported in the literature in individuals affected with CHD8-related conditions. This variant is not present in population databases (gnomAD no frequency). This sequence change replaces isoleucine, which is neutral and non-polar, with valine, which is neutral and non-polar, at codon 1216 of the CHD8 protein (p.Ile1216Val). Algorithms developed to predict the effect of missense changes on protein structure and function are either unavailable or do not agree on the potential impact of this missense change (SIFT: "Deleterious"; PolyPhen-2: "Probably Damaging"; Align-GVGD: "Class C0"). In summary, the available evidence is currently insufficient to determine the role of this variant in disease. Therefore, it has been classified as a Variant of Uncertain Significance.